The following is an entry in ClinVar:

NM_001754.5(RUNX1):c.579C>G (p.Ile193Met)

Genes: RUNX1 (RUNX family transcription factor 1; minus strand), RUNX1-AS1 (RUNX1 antisense RNA 1; plus strand). Cytogenetic location: 21q22.12.
Variant type: single nucleotide variant.
Coding change: c.579C>G on transcript NM_001754.5 (MANE Select); coding-DNA position 579, C replaced by G.
Protein change: p.Ile193Met; replaces isoleucine 193 with methionine.
Molecular consequence: missense variant.
Genome position (GRCh38, 1-based): chr21:34,859,508, G>C on the plus strand (C>G on the coding strand, the complement: RUNX1 is on the minus strand). VCF-style: chr21-34859508-G-C. GRCh37 (hg19) VCF-style: chr21-36231805-G-C.
Other names: NM_001754.5(RUNX1):c.579C>G; p.Ile193Met; c.498C>G, p.Ile166Met (NM_001001890.3, NM_001122607.2); short protein forms I193M, I166M.
Identifiers: ClinVar variation 3791505 (VCV003791505.1).

ClinVar aggregate classification (germline): Uncertain significance. Review status: reviewed by expert panel (3 of 4 stars). 2 submissions from 2 submitters: Uncertain significance (1). 1 of the submissions does not count toward it. Last evaluated 2025-07-14.

Conditions:
Inborn genetic diseases. Identifiers: MedGen C0950123, MeSH D030342.
Hereditary thrombocytopenia and hematologic cancer predisposition syndrome. Identifiers: Orphanet 71290, MedGen CN281654, MONDO:0011071.

Submissions (2):

ClinGen Myeloid Malignancy Variant Curation Expert Panel
Classification: Uncertain significance for Hereditary thrombocytopenia and hematologic cancer predisposition syndrome. Last evaluated: 2025-07-14. Review status: reviewed by expert panel. Criteria: ClinGen MyeloMalig ACMG Specifications v2. Collection method: curation. Allele origin: germline. Inheritance: Autosomal dominant inheritance.
Comment: NM_001754.5(RUNX1):c.579C>G (p.Ile193Met) is a missense variant which has a REVEL score ≥ 0.88 (0.88) (PP3). This variant affects a residue within the Runt Homology domain (AA 89-204) but does not affect an established hotspot residue (PM1_Supporting). This variant is completely absent from all population databases with at least 20x coverage for RUNX1 (PM2_Supporting). This variant has been reported in one proband meeting at least one of the RUNX1-phenotypic criteria (PS4_Supporting; PMID: 28927163). In summary, the clinical significance of this variant is uncertain. ACMG/AMP criteria applied, as specified by the Myeloid Malignancy Variant Curation Expert Panel for RUNX1: PM2_supporting, PP3, PM1_supporting, PS4_supporting.

Ambry Genetics
Classification: Uncertain significance for Inborn genetic diseases. Last evaluated: 2025-02-11. Review status: criteria provided, single submitter. Criteria: Ambry Variant Classification Scheme 2023. Collection method: clinical testing. Allele origin: germline. Not counted in ClinVar's aggregate classification.
Comment: The p.I193M variant (also known as c.579C>G), located in coding exon 5 of the RUNX1 gene, results from a C to G substitution at nucleotide position 579. The isoleucine at codon 193 is replaced by methionine, an amino acid with highly similar properties. This amino acid position is conserved. In addition, this alteration is predicted to be deleterious by in silico analysis. Based on the available evidence, the clinical significance of this variant remains unclear.